The following is an entry in ClinVar:

NM_000191.3(HMGCL):c.651G>T (p.Met217Ile)

Gene: HMGCL (3-hydroxy-3-methylglutaryl-CoA lyase; minus strand). Cytogenetic location: 1p36.11.
Variant type: single nucleotide variant.
Coding change: c.651G>T on transcript NM_000191.3 (MANE Select); coding-DNA position 651, G replaced by T.
Protein change: p.Met217Ile; replaces methionine 217 with isoleucine.
Molecular consequence: missense variant.
Genome position (GRCh38, 1-based): chr1:23,808,234, C>A on the plus strand (G>T on the coding strand, the complement: HMGCL is on the minus strand). VCF-style: chr1-23808234-C-A. GRCh37 (hg19) VCF-style: chr1-24134724-C-A.
Other names: c.438G>T, p.Met146Ile (NM_001166059.2); short protein forms M146I, M217I.
Identifiers: ClinVar variation 966909 (VCV000966909.7), dbSNP rs746968587, ClinGen allele CA686011.
Genomic context (GRCh38, chr1:23,808,234, plus strand): 5'-GGTGTCATGGCAGTGGACAGCCAGGGCAGCCAGAGGCACTTCCTGCATGACAGCAGATAG[C>A]ATGTCTTTCATGATCCCTGGGGTGCCCACACCAATGGTGTCCCCCAGGGAGATCTCGTAG-3'
Protein context (NP_000182.2, residues 207-227): GVGTPGIMKD[Met217Ile]LSAVMQEVPL

ClinVar aggregate classification (germline): Uncertain significance. Review status: criteria provided, multiple submitters, no conflicts (2 of 4 stars). 6 submissions from 6 submitters: Uncertain significance (5). 1 of the submissions does not count toward it. Last evaluated 2025-11-03.

Conditions:
Long chain 3-hydroxyacyl-CoA dehydrogenase deficiency. Also called: Deficiency of long-chain 3-hydroxyacyl-coenzyme A dehydrogenase; LCHAD Deficiency. Identifiers: Orphanet 5, MedGen C3711645, MONDO:0012173, OMIM 609016.
Deficiency of hydroxymethylglutaryl-CoA lyase (HMGCLD). Also called: HMG-CoA LYASE DEFICIENCY; HMGCL DEFICIENCY; HYDROXYMETHYLGLUTARIC ACIDURIA; Defect in leucine metabolism; 3-hydroxy-3-methylglutaric aciduria. Identifiers: Orphanet 20, MedGen C1533587, MONDO:0009520, OMIM 246450.
Inborn genetic diseases. Identifiers: MedGen C0950123, MeSH D030342.

Allele frequency attached by ClinVar (database versions not stated): gnomAD 0.00003; gnomAD exomes 0.00003 and 0.00008; TOPMed 0.00005; ExAC 0.00008.
gnomAD v4.1: 50 of 1,613,824 alleles (0.0031%); highest among the groups gnomAD compares: East Asian, 0.11%; no homozygotes.

Submissions (6):

Myriad Genetics, Inc.
Classification: Uncertain significance for Deficiency of hydroxymethylglutaryl-CoA lyase. Last evaluated: 2025-11-03. Review status: criteria provided, single submitter. Criteria: Myriad Autosomal Dominant, Autosomal Recessive and X-Linked Classification Criteria (2023). Collection method: clinical testing. Allele origin: unknown.
Comment: NM_000191.2(HMGCL):c.651G>T(M217I) is a missense variant classified as a variant of uncertain significance in the context of HMG-CoA lyase deficiency. M217I has not been observed in cases with relevant disease. Relevant functional assessments of this variant are not available in the literature. M217I has been observed in referenced population frequency databases. In summary, there is insufficient evidence to classify NM_000191.2(HMGCL):c.651G>T(M217I) as pathogenic or benign. Please note: this variant was assessed in the context of healthy population screening.

Ambry Genetics
Classification: Uncertain significance for Inborn genetic diseases. Last evaluated: 2023-12-16. Review status: criteria provided, single submitter. Criteria: Ambry Variant Classification Scheme 2023. Collection method: clinical testing. Allele origin: germline.

Genome-Nilou Lab
Classification: Uncertain significance for Deficiency of hydroxymethylglutaryl-CoA lyase. Last evaluated: 2023-04-11. Review status: criteria provided, single submitter. Criteria: ACMG Guidelines, 2015. Collection method: clinical testing. Allele origin: germline. Affected: no.

Labcorp Genetics (formerly Invitae), Labcorp
Classification: Uncertain significance for Deficiency of hydroxymethylglutaryl-CoA lyase. Last evaluated: 2022-06-03. Review status: criteria provided, single submitter. Criteria: Invitae Variant Classification Sherloc (09022015). Collection method: clinical testing. Allele origin: germline.
Comment: This sequence change replaces methionine, which is neutral and non-polar, with isoleucine, which is neutral and non-polar, at codon 217 of the HMGCL protein (p.Met217Ile). This variant is present in population databases (rs746968587, gnomAD 0.1%). This variant has not been reported in the literature in individuals affected with HMGCL-related conditions. ClinVar contains an entry for this variant (Variation ID: 966909). Algorithms developed to predict the effect of missense changes on protein structure and function are either unavailable or do not agree on the potential impact of this missense change (SIFT: "Deleterious"; PolyPhen-2: "Probably Damaging"; Align-GVGD: "Class C0"). Algorithms developed to predict the effect of sequence changes on RNA splicing suggest that this variant may create or strengthen a splice site. In summary, the available evidence is currently insufficient to determine the role of this variant in disease. Therefore, it has been classified as a Variant of Uncertain Significance.

Fulgent Genetics
Classification: Uncertain significance for Deficiency of hydroxymethylglutaryl-CoA lyase. Last evaluated: 2021-07-27. Review status: criteria provided, single submitter. Criteria: ACMG Guidelines, 2015. Collection method: clinical testing. Allele origin: unknown.

Natera, Inc.
Classification: Uncertain significance for Deficiency of long-chain 3-hydroxyacyl-coenzyme A dehydrogenase. Last evaluated: 2020-04-30. Review status: no assertion criteria provided. Collection method: clinical testing. Allele origin: germline. Not counted in ClinVar's aggregate classification.